The following is an entry in ClinVar:

ClinVar aggregate classification (germline): Uncertain significance (1 of 4 stars; one submission).

Conditions:
Hereditary pancreatitis (PCTT). Also called: Hereditary chronic pancreatitis; PRSS1-Related Hereditary Pancreatitis. Identifiers: Orphanet 676, MedGen C0238339, MONDO:0008185, OMIM 167800.

Submission:

Ambry Genetics
Classification: Uncertain significance for Hereditary pancreatitis. Last evaluated: 2024-11-16. Review status: criteria provided, single submitter. Criteria: Ambry Variant Classification Scheme 2023. Collection method: clinical testing. Allele origin: germline.
Comment: The p.A12T variant (also known as c.34G>A), located in coding exon 1 of the PRSS1 gene, results from a G to A substitution at nucleotide position 34. The alanine at codon 12 is replaced by threonine, an amino acid with similar properties. This amino acid position is conserved. In addition, the in silico prediction for this alteration is inconclusive. Since supporting evidence is limited at this time, the clinical significance of this alteration remains unclear.

NM_002769.5(PRSS1):c.34G>A (p.Ala12Thr)

Genes: PRSS1 (serine protease 1; plus strand), TRB (T cell receptor beta locus; plus strand). Cytogenetic location: 7q34.
Variant type: single nucleotide variant.
Coding change: c.34G>A on transcript NM_002769.5 (MANE Select); coding-DNA position 34, G replaced by A.
Protein change: p.Ala12Thr; replaces alanine 12 with threonine.
Molecular consequence: missense variant. On other transcripts: non-coding transcript variant (5).
Genome position (GRCh38, 1-based): chr7:142,749,518, G>A. VCF-style: chr7-142749518-G-A. GRCh37 (hg19) VCF-style: chr7-142457369-G-A.
Other names: short protein forms A12T.
Identifiers: ClinVar variation 1732051 (VCV001732051.3), dbSNP rs2485713331, ClinGen allele CA369606997.